The following is an entry in ClinVar:

NM_015404.4(WHRN):c.1507A>C (p.Met503Leu)

Gene: WHRN (whirlin; minus strand). Cytogenetic location: 9q32.
Variant type: single nucleotide variant.
Coding change: c.1507A>C on transcript NM_015404.4 (MANE Select); coding-DNA position 1507, A replaced by C.
Protein change: p.Met503Leu; replaces methionine 503 with leucine.
Molecular consequence: missense variant.
Genome position (GRCh38, 1-based): chr9:114,423,433, T>G on the plus strand (A>C on the coding strand, the complement: WHRN is on the minus strand). VCF-style: chr9-114423433-T-G. GRCh37 (hg19) VCF-style: chr9-117185713-T-G.
Other names: c.1507A>C (NM_015404.3, NM_015404.2); c.358A>C, p.Met120Leu (NM_001083885.3); c.1507A>C, p.Met503Leu (NM_001173425.2); c.454A>C, p.Met152Leu (NM_001346890.1); short protein forms M120L, M152L, M503L.
Identifiers: ClinVar variation 1044368 (VCV001044368.8), dbSNP rs201138894, ClinGen allele CA374607351.
Genomic context (GRCh38, chr9:114,423,433, plus strand): 5'-TGTAGGAGACCATGGAGTAGGTGTCCCCAGCCCCGGGGCCTGGGGGCTGCCGCGCCTTCA[T>G]GGACTCAATCTCACGCCTCAGCACCAGGTGGTCGAAGCGTTCTAGGTCTTGCGGGGAAAT-3'
Protein context (NP_056219.3, residues 493-513): HLVLRREIES[Met503Leu]KARQPPGPGA

ClinVar aggregate classification (germline): Uncertain significance. Review status: criteria provided, multiple submitters, no conflicts (2 of 4 stars). 3 submissions from 3 submitters: Uncertain significance (3). Last evaluated 2026-04-15.

Conditions:
WHRN-related disorder. Also called: WHRN-related condition.

Allele frequency attached by ClinVar (database versions not stated): TOPMed 0.00003.
gnomAD v4.1: 6 of 1,613,984 alleles (0.00037%); highest among the groups gnomAD compares: East Asian, 0.0045%; no homozygotes.

Submissions (3):

PreventionGenetics, part of Exact Sciences
Classification: Uncertain significance for WHRN-related condition. Last evaluated: 2026-04-15. Review status: criteria provided, single submitter. Criteria: ACMG Guidelines, 2015. Collection method: clinical testing. Allele origin: germline.
Comment: The WHRN c.1507A>C variant is predicted to result in the amino acid substitution p.Met503Leu. To our knowledge, this variant has not been reported in the literature. This variant is reported in 0.064% of alleles in individuals of East Asian descent in gnomAD. Although we suspect that this variant may be benign, at this time, the clinical significance of this variant is uncertain due to the absence of conclusive functional and genetic evidence.

GeneDx
Classification: Uncertain significance. Last evaluated: 2024-10-23. Review status: criteria provided, single submitter. Criteria: GeneDx Variant Classification Process June 2021. Collection method: clinical testing. Allele origin: germline. Affected: yes.
Comment: In silico analysis indicates that this missense variant does not alter protein structure/function; Has not been previously published as pathogenic or benign to our knowledge

Labcorp Genetics (formerly Invitae), Labcorp
Classification: Uncertain significance. Last evaluated: 2022-08-31. Review status: criteria provided, single submitter. Criteria: Invitae Variant Classification Sherloc (09022015). Collection method: clinical testing. Allele origin: germline.
Comment: This sequence change replaces methionine, which is neutral and non-polar, with leucine, which is neutral and non-polar, at codon 503 of the WHRN protein (p.Met503Leu). This variant is present in population databases (no rsID available, gnomAD 0.06%). This variant has not been reported in the literature in individuals affected with WHRN-related conditions. ClinVar contains an entry for this variant (Variation ID: 1044368). Algorithms developed to predict the effect of missense changes on protein structure and function (SIFT, PolyPhen-2, Align-GVGD) all suggest that this variant is likely to be tolerated. In summary, the available evidence is currently insufficient to determine the role of this variant in disease. Therefore, it has been classified as a Variant of Uncertain Significance.